The following is an entry in ClinVar:

NM_014476.6(PDLIM3):c.399-275A>C

Gene: PDLIM3 (PDZ and LIM domain 3; minus strand). Cytogenetic location: 4q35.1.
Variant type: single nucleotide variant.
Coding change: c.399-275A>C on transcript NM_014476.6 (MANE Select); 275 bases into the intron before coding-DNA position 399, A replaced by C.
Molecular consequence: intron variant.
Genome position (GRCh38, 1-based): chr4:185,508,837, T>G on the plus strand (A>C on the coding strand, the complement: PDLIM3 is on the minus strand). VCF-style: chr4-185508837-T-G. GRCh37 (hg19) VCF-style: chr4-186429991-T-G.
Other names: c.162-2185A>C (NM_001257963.2); c.399-2185A>C (NM_001257962.2); c.519-2185A>C (NM_001114107.5).
Identifiers: ClinVar variation 683682 (VCV000683682.1), dbSNP rs6552887, ClinGen allele CA112044992.

ClinVar aggregate classification (germline): Benign (1 of 4 stars; one submission).

Allele frequency attached by ClinVar (database versions not stated): TOPMed 0.95187; 1000 Genomes Project 0.95467; 1000 Genomes Project 30x 0.95112.

Submission:

GeneDx
Classification: Benign. Last evaluated: 2018-06-18. Review status: criteria provided, single submitter. Criteria: GeneDx Variant Classification (06012015). Collection method: clinical testing. Allele origin: germline. Affected: yes.
Comment: This variant is considered likely benign or benign based on one or more of the following criteria: it is a conservative change, it occurs at a poorly conserved position in the protein, it is predicted to be benign by multiple in silico algorithms, and/or has population frequency not consistent with disease.